The following is an entry in ClinVar:

NM_001376.5(DYNC1H1):c.3600A>G (p.Gln1200=)

Gene: DYNC1H1 (dynein cytoplasmic 1 heavy chain 1; plus strand). Cytogenetic location: 14q32.31.
Variant type: single nucleotide variant.
Coding change: c.3600A>G on transcript NM_001376.5 (MANE Select); coding-DNA position 3600, A replaced by G.
Protein change: p.Gln1200=; no amino-acid change (glutamine 1200 retained).
Molecular consequence: synonymous variant.
Genome position (GRCh38, 1-based): chr14:101,997,070, A>G. VCF-style: chr14-101997070-A-G. GRCh37 (hg19) VCF-style: chr14-102463407-A-G.
Other names: p.Q1200Q:CAA>CAG; p.Gln1200=.
Identifiers: ClinVar variation 128935 (VCV000128935.37), dbSNP rs12893215, ClinGen allele CA152640.
Genomic context (GRCh38, chr14:101,997,070, plus strand): 5'-TTGATTTATTTTTTAACTCTCAAAGCTCTACCGCAATGGCCAGCGCTTACTGGAAAAGCA[A>G]AGGTTCCAGTTCCCACCTTCCTGGCTTTATATTGACAACATCGAGGGAGAGTGGGGAGCC-3'
Protein context (NP_001367.2, residues 1190-1210): YRNGQRLLEK[Gln1200=]RFQFPPSWLY

ClinVar aggregate classification (germline): Benign. Review status: criteria provided, multiple submitters, no conflicts (2 of 4 stars). 17 submissions from 14 submitters: Benign (13). 4 of the submissions do not count toward it. Last evaluated 2026-02-03.

Conditions:
Autosomal dominant cerebellar ataxia. Also called: Spinocerebellar Ataxia, Dominant. Identifiers: Orphanet 99, MedGen C4087347, MONDO:0020380.
Charcot-Marie-Tooth disease. Also called: Charcot-Marie-Tooth Neuropathy; Charcot-Marie-Tooth Hereditary Neuropathy. Identifiers: Orphanet 166, MedGen C0007959, MONDO:0015626.
Inborn genetic diseases. Identifiers: MedGen C0950123, MeSH D030342.
Charcot-Marie-Tooth disease axonal type 2O. Also called: CHARCOT-MARIE-TOOTH NEUROPATHY, AXONAL, TYPE 2O; CHARCOT-MARIE-TOOTH DISEASE, AXONAL, AUTOSOMAL DOMINANT, TYPE 2O; Charcot-Marie-Tooth Neuropathy Type 2O; Charcot-Marie-Tooth disease, axonal, type 20. Identifiers: Orphanet 284232, MedGen C3280220, MONDO:0013644, OMIM 614228.
Autosomal dominant childhood-onset proximal spinal muscular atrophy without contractures. Also called: Spinal muscular atrophy, lower extremity-predominant 1, AD; SPINAL MUSCULAR ATROPHY, CHILDHOOD, PROXIMAL, AUTOSOMAL DOMINANT; KUGELBERG-WELANDER SYNDROME, AUTOSOMAL DOMINANT; SPINAL MUSCULAR ATROPHY, JUVENILE, PROXIMAL, AUTOSOMAL DOMINANT. Identifiers: Orphanet 209341, Orphanet 363447, MedGen C5780022, MONDO:0008026, OMIM 158600.
Cortical dysplasia, complex, with other brain malformations 13. Also called: Intellectual disability, autosomal dominant 13. Identifiers: MedGen C3281202, MONDO:0013805, OMIM 614563.

Allele frequency attached by ClinVar (database versions not stated): gnomAD exomes 0.11759 and 0.14083; ExAC 0.14395; ESP Exome Variant Server 0.15508; gnomAD 0.15549 and 0.15667; TOPMed 0.16366; 1000 Genomes Project 30x 0.20112; 1000 Genomes Project 0.20168.

Submissions (17):

Labcorp Genetics (formerly Invitae), Labcorp
Classification: Benign for Charcot-Marie-Tooth disease axonal type 2O. Last evaluated: 2026-02-03. Review status: criteria provided, single submitter. Criteria: Invitae Variant Classification Sherloc (09022015). Collection method: clinical testing. Allele origin: germline.

Genome-Nilou Lab
Classification: Benign for Charcot-Marie-Tooth disease axonal type 2O. Last evaluated: 2021-07-30. Review status: criteria provided, single submitter. Criteria: ACMG Guidelines, 2015. Collection method: clinical testing. Allele origin: germline. Affected: no.

Genome-Nilou Lab
Classification: Benign for Cortical dysplasia, complex, with other brain malformations 13. Last evaluated: 2021-07-30. Review status: criteria provided, single submitter. Criteria: ACMG Guidelines, 2015. Collection method: clinical testing. Allele origin: germline. Affected: no.

Genome-Nilou Lab
Classification: Benign for Autosomal dominant childhood-onset proximal spinal muscular atrophy without contractures. Last evaluated: 2021-07-30. Review status: criteria provided, single submitter. Criteria: ACMG Guidelines, 2015. Collection method: clinical testing. Allele origin: germline. Affected: no.

Illumina Laboratory Services, Illumina
Classification: Benign for Spinocerebellar Ataxia, Dominant. Last evaluated: 2018-01-13. Review status: criteria provided, single submitter. Criteria: ICSL Variant Classification Criteria 13 December 2019. Collection method: clinical testing. Allele origin: germline.
Comment: This variant was observed in the ICSL laboratory as part of a predisposition screen in an ostensibly healthy population. It had not been previously curated by ICSL or reported in the Human Gene Mutation Database (HGMD: prior to June 1st, 2018), and was therefore a candidate for classification through an automated scoring system. Utilizing variant allele frequency, disease prevalence and penetrance estimates, and inheritance mode, an automated score was calculated to assess if this variant is too frequent to cause the disease. Based on the score and internal cut-off values, a variant classified as benign is not then subjected to further curation. The score for this variant resulted in a classification of benign for this disease.

Illumina Laboratory Services, Illumina
Classification: Benign for Charcot-Marie-Tooth disease axonal type 2O. Last evaluated: 2018-01-13. Review status: criteria provided, single submitter. Criteria: ICSL Variant Classification Criteria 13 December 2019. Collection method: clinical testing. Allele origin: germline.
Comment: the same text as in the submission from Illumina Laboratory Services, Illumina above.

Mayo Clinic Laboratories, Mayo Clinic
Classification: Benign. Last evaluated: 2016-04-20. Review status: criteria provided, single submitter. Criteria: ACMG Guidelines, 2015. Collection method: clinical testing. Allele origin: germline. Observed: 486 variant alleles.

Laboratory for Molecular Medicine, Mass General Brigham Personalized Medicine
Classification: Benign. Last evaluated: 2016-03-28. Review status: criteria provided, single submitter. Criteria: LMM Criteria. Collection method: clinical testing. Allele origin: germline.
Comment: Variant identified in a genome or exome case(s) and assessed due to predicted null impact of the variant or pathogenic assertions in the literature or databases. Disclaimer: This variant has not undergone full assessment. The following are preliminary notes: Frequency

Ambry Genetics
Classification: Benign for Inborn genetic diseases. Last evaluated: 2016-01-08. Review status: criteria provided, single submitter. Criteria: Ambry Variant Classification Scheme 2023. Collection method: clinical testing. Allele origin: germline.

GeneDx
Classification: Benign. Last evaluated: 2013-12-11. Review status: criteria provided, single submitter. Criteria: GeneDx Variant Classification (06012015). Collection method: clinical testing. Allele origin: germline. Affected: yes.
Comment: This variant is considered likely benign or benign based on one or more of the following criteria: it is a conservative change, it occurs at a poorly conserved position in the protein, it is predicted to be benign by multiple in silico algorithms, and/or has population frequency not consistent with disease.

Breakthrough Genomics
Classification: Benign. Review status: criteria provided, single submitter. Criteria: ACMG Guidelines, 2015. Collection method: not provided. Allele origin: germline. Inheritance: Autosomal dominant inheritance. Affected: yes.

Molecular Genetics Laboratory, London Health Sciences Centre
Classification: Benign for Charcot-Marie-Tooth disease. Review status: criteria provided, single submitter. Criteria: ACMG Guidelines, 2015. Collection method: clinical testing. Allele origin: germline. Affected: yes.

PreventionGenetics, part of Exact Sciences
Classification: Benign. Review status: criteria provided, single submitter. Criteria: ACMG Guidelines, 2015. Collection method: clinical testing. Allele origin: germline.

Clinical Genetics DNA and cytogenetics Diagnostics Lab, Erasmus MC, Erasmus Medical Center
Classification: Benign. Review status: no assertion criteria provided. Collection method: clinical testing. Allele origin: germline. Affected: yes. Study: VKGL Data-share Consensus. Not counted in ClinVar's aggregate classification.

Clinical Genetics, Academic Medical Center
Classification: Benign. Review status: no assertion criteria provided. Collection method: clinical testing. Allele origin: germline. Affected: yes. Study: VKGL Data-share Consensus. Not counted in ClinVar's aggregate classification.

Genetic Services Laboratory, University of Chicago
Classification: Likely benign for AllHighlyPenetrant. Review status: no assertion criteria provided. Collection method: clinical testing. Allele origin: germline. Inheritance: Autosomal dominant inheritance. Not counted in ClinVar's aggregate classification.
Comment: Likely benign based on allele frequency in 1000 Genomes Project or ESP global frequency and its presence in a patient with a rare or unrelated disease phenotype. NOT Sanger confirmed.

Joint Genome Diagnostic Labs from Nijmegen and Maastricht, Radboudumc and MUMC+
Classification: Benign. Review status: no assertion criteria provided. Collection method: clinical testing. Allele origin: germline. Affected: yes. Study: VKGL Data-share Consensus. Not counted in ClinVar's aggregate classification.